The following is an entry in ClinVar:

ClinVar aggregate classification (germline): Pathogenic (1 of 4 stars; one submission).

Conditions:
Hereditary cancer-predisposing syndrome. Also called: Tumor predisposition; Neoplastic Syndromes, Hereditary; Hereditary Cancer Syndrome; Hereditary neoplastic syndrome. Identifiers: Orphanet 140162, MedGen C0027672, MeSH D009386, MONDO:0015356.

Submission:

Ambry Genetics
Classification: Pathogenic for Hereditary cancer-predisposing syndrome. Last evaluated: 2022-06-27. Review status: criteria provided, single submitter. Criteria: Ambry Variant Classification Scheme 2023. Collection method: clinical testing. Allele origin: germline.
Comment: The c.314delG pathogenic mutation, located in coding exon 3 of the APC gene, results from a deletion of one nucleotide at nucleotide position 314, causing a translational frameshift with a predicted alternate stop codon (p.S105Tfs*20). This alteration is expected to result in loss of function by premature protein truncation or nonsense-mediated mRNA decay. As such, this alteration is interpreted as a disease-causing mutation.

NM_000038.6(APC):c.314del (p.Ser105fs)

Gene: APC (APC regulator of Wnt signaling pathway; plus strand). Cytogenetic location: 5q22.2.
Variant type: Deletion.
Coding change: c.314del on transcript NM_000038.6 (MANE Select); coding-DNA position 314, one base deleted (G; older notation c.314delG).
Protein change: p.Ser105fs; shifts the reading frame from serine 105.
Molecular consequence: frameshift variant. On other transcripts: 5 prime UTR variant (1).
Genome position (GRCh38, 1-based): chr5:112,767,282, G deleted. VCF-style (leftmost placement, unchanged base first): chr5-112767281-AG-A. GRCh37 (hg19) VCF-style: chr5-112102978-AG-A.
Other names: c.314del, p.Ser105fs (NM_001127510.3, NM_001354895.2, NM_001354896.2 and 2 more transcripts); c.344del, p.Ser115fs (NM_001127511.3, NM_001354897.2, NM_001354902.2); c.239del, p.Ser80fs (NM_001354898.2, NM_001354904.2); c.137del, p.Ser46fs (NM_001354900.2, NM_001354901.2, NM_001354905.2); c.-722del (NM_001354906.2); c.344delG, p.Ser115Thrfs (NM_001407446.1); c.314delG, p.Ser105Thrfs (NM_001407447.1, NM_001407448.1, NM_001407449.1 and 11 more transcripts); c.239delG, p.Ser80Thrfs (NM_001407451.1); and 2 more; short protein forms S115fs, S105fs, S80fs, S46fs.
Identifiers: ClinVar variation 1728168 (VCV001728168.2), dbSNP rs2532295942, ClinGen allele CA2580072385.
Genomic context (GRCh38, chr5:112,767,281, plus strand): 5'-GTAAAACTGCGGTCAAAAATGTCCCTCCGTTCTTATGGAAGCCGGGAAGGATCTGTATCA[AG>A]CCGTTCTGGAGAGTGCAGTCCTGTTCCTATGGGTTCATTTCCAAGAAGAGGGTTTGTAAA-3'